The following is an entry in ClinVar:

ClinVar aggregate classification (germline): Pathogenic (1 of 4 stars; one submission).

Submission:

Quest Diagnostics Nichols Institute San Juan Capistrano
Classification: Pathogenic. Last evaluated: 2026-06-05. Review status: criteria provided, single submitter. Criteria: ACMG/ClinGen CNV Guidelines, 2019. Collection method: clinical testing. Allele origin: unknown.
Comment: This copy number loss involves at least nine protein-coding genes, including SRRM2 (OMIM 606032). Haploinsufficiency of SSRM2 has been associated with autosomal dominant intellectual developmental disorder 72 (CCID:007940; OMIM 620439). Accordingly, heterozygous deletions partially overlapping or fully contained within the current interval have been reported in affected individuals (Cuinat 2022, Pagnamenta 2023, Sheng 2023). There are no similar copy number losses of this region in the general populations of the Database of Genomic Variants. Thus, based on current medical literature and gene content, this copy number variant (CNV) is classified as pathogenic.

Literature cited by the submitters: PubMed 35567594; PubMed 40225164; PubMed 37272925.

GRCh37/hg19 16p13.3(chr16:2794763-2993610)x1

Genes: PRSS33 (serine protease 33; minus strand), PRSS41 (serine protease 41; plus strand), ELOB (elongin B; minus strand), FLYWCH1 (FLYWCH-type zinc finger 1; plus strand), FLYWCH2 (FLYWCH family member 2; plus strand) and 4 more. Cytogenetic location: 16p13.3.
Variant type: copy number loss.
Change: copy number 1 (one copy instead of two) of chr16:2,794,763-2,993,610 (198.8 kb, GRCh37 coordinates, 1-based), cytogenetic band 16p13.3.
Identifiers: ClinVar variation 1808005 (VCV001808005.2).